The following continues an entry in ClinVar:

NM_000903.3(NQO1):c.415C>T (p.Arg139Trp)

Gene: NQO1. ClinVar aggregate classification (germline): association.

Submissions 33 to 48 of 48:

Dr. Peter K. Rogan Lab, Western University
No classification provided (evidence only). Condition: Thymoma. Review status: no classification provided. Collection method: in vitro. Allele origin: not applicable. Functional consequence: skipped exon, retained intron. Not counted in ClinVar's aggregate classification.

Dr. Peter K. Rogan Lab, Western University
No classification provided (evidence only). Condition: Cholangiocarcinoma. Review status: no classification provided. Collection method: in vitro. Allele origin: not applicable. Functional consequence: skipped exon, retained intron. Not counted in ClinVar's aggregate classification.

Dr. Peter K. Rogan Lab, Western University
No classification provided (evidence only). Condition: Cholangiocarcinoma. Review status: no classification provided. Collection method: in vitro. Allele origin: not applicable. Functional consequence: skipped exon. Not counted in ClinVar's aggregate classification.

Dr. Peter K. Rogan Lab, Western University
No classification provided (evidence only). Condition: Adrenocortical carcinoma, hereditary. Review status: no classification provided. Collection method: in vitro. Allele origin: not applicable. Functional consequence: skipped exon, retained intron. Not counted in ClinVar's aggregate classification.

Dr. Peter K. Rogan Lab, Western University
No classification provided (evidence only). Condition: Adrenocortical carcinoma, hereditary. Review status: no classification provided. Collection method: in vitro. Allele origin: not applicable. Functional consequence: skipped exon. Not counted in ClinVar's aggregate classification.

Dr. Peter K. Rogan Lab, Western University
No classification provided (evidence only). Condition: Uterine carcinosarcoma. Review status: no classification provided. Collection method: in vitro. Allele origin: not applicable. Functional consequence: skipped exon. Not counted in ClinVar's aggregate classification.

Dr. Peter K. Rogan Lab, Western University
No classification provided (evidence only). Condition: Uterine carcinosarcoma. Review status: no classification provided. Collection method: in vitro. Allele origin: not applicable. Functional consequence: retained intron. Not counted in ClinVar's aggregate classification.

Dr. Peter K. Rogan Lab, Western University
No classification provided (evidence only). Condition: Uveal melanoma. Review status: no classification provided. Collection method: in vitro. Allele origin: not applicable. Functional consequence: retained intron. Not counted in ClinVar's aggregate classification.

Dr. Peter K. Rogan Lab, Western University
No classification provided (evidence only). Condition: Uveal melanoma. Review status: no classification provided. Collection method: in vitro. Allele origin: not applicable. Functional consequence: skipped exon, retained intron. Not counted in ClinVar's aggregate classification.

Dr. Peter K. Rogan Lab, Western University
No classification provided (evidence only). Condition: Malignant tumor of esophagus. Review status: no classification provided. Collection method: in vitro. Allele origin: not applicable. Functional consequence: skipped exon, retained intron. Not counted in ClinVar's aggregate classification.

Dr. Peter K. Rogan Lab, Western University
No classification provided (evidence only). Condition: Malignant tumor of esophagus. Review status: no classification provided. Collection method: in vitro. Allele origin: not applicable. Functional consequence: skipped exon, retained intron. Not counted in ClinVar's aggregate classification.

Dr. Peter K. Rogan Lab, Western University
No classification provided (evidence only). Condition: Malignant tumor of esophagus. Review status: no classification provided. Collection method: in vitro. Allele origin: not applicable. Functional consequence: skipped exon, retained intron. Not counted in ClinVar's aggregate classification.

Dr. Peter K. Rogan Lab, Western University
No classification provided (evidence only). Condition: Malignant tumor of esophagus. Review status: no classification provided. Collection method: in vitro. Allele origin: not applicable. Functional consequence: retained intron. Not counted in ClinVar's aggregate classification.

Dr. Peter K. Rogan Lab, Western University
No classification provided (evidence only). Condition: Malignant tumor of esophagus. Review status: no classification provided. Collection method: in vitro. Allele origin: not applicable. Functional consequence: retained intron. Not counted in ClinVar's aggregate classification.

Dr. Peter K. Rogan Lab, Western University
No classification provided (evidence only). Condition: Malignant tumor of esophagus. Review status: no classification provided. Collection method: in vitro. Allele origin: not applicable. Functional consequence: skipped exon, retained intron. Not counted in ClinVar's aggregate classification.

Dr. Peter K. Rogan Lab, Western University
No classification provided (evidence only). Condition: Malignant tumor of esophagus. Review status: no classification provided. Collection method: in vitro. Allele origin: not applicable. Functional consequence: skipped exon, retained intron. Not counted in ClinVar's aggregate classification.